The following is an entry in ClinVar:

ClinVar aggregate classification (germline): Uncertain significance (1 of 4 stars; one submission).

Allele frequency attached by ClinVar (database versions not stated): gnomAD 0.00003 and 0.00004; TOPMed 0.00013; ExAC 0.00020; gnomAD exomes 0.00024.
gnomAD v4.1: 83 of 1,614,010 alleles (0.0051%); highest among the groups gnomAD compares: Admixed American, 0.13%; no homozygotes.

Submission:

Labcorp Genetics (formerly Invitae), Labcorp
Classification: Uncertain significance. Last evaluated: 2024-10-15. Review status: criteria provided, single submitter. Criteria: Invitae Variant Classification Sherloc (09022015). Collection method: clinical testing. Allele origin: germline.
Comment: This sequence change replaces aspartic acid, which is acidic and polar, with asparagine, which is neutral and polar, at codon 63 of the BCAT2 protein (p.Asp63Asn). This variant is present in population databases (rs768560820, gnomAD 0.2%). This variant has not been reported in the literature in individuals affected with BCAT2-related conditions. ClinVar contains an entry for this variant (Variation ID: 1442290). An algorithm developed to predict the effect of missense changes on protein structure and function (PolyPhen-2) suggests that this variant is likely to be disruptive. In summary, the available evidence is currently insufficient to determine the role of this variant in disease. Therefore, it has been classified as a Variant of Uncertain Significance.

NM_001190.4(BCAT2):c.187G>A (p.Asp63Asn)

Gene: BCAT2 (branched chain amino acid transaminase 2; minus strand). Cytogenetic location: 19q13.33.
Variant type: single nucleotide variant.
Coding change: c.187G>A on transcript NM_001190.4 (MANE Select); coding-DNA position 187, G replaced by A.
Protein change: p.Asp63Asn; replaces aspartic acid 63 with asparagine.
Molecular consequence: missense variant. On other transcripts: intron variant (1).
Genome position (GRCh38, 1-based): chr19:48,806,630, C>T on the plus strand (G>A on the coding strand, the complement: BCAT2 is on the minus strand). VCF-style: chr19-48806630-C-T. GRCh37 (hg19) VCF-style: chr19-49309887-C-T.
Other names: c.67G>A, p.Asp23Asn (NM_001284325.2); c.24+4354G>A (NM_001164773.2); short protein forms D63N, D23N.
Identifiers: ClinVar variation 1442290 (VCV001442290.4), dbSNP rs768560820, ClinGen allele CA9558504.